The following is an entry in ClinVar:

ClinVar aggregate classification (germline): Uncertain significance. Review status: criteria provided, multiple submitters, no conflicts (2 of 4 stars). 2 submissions from 2 submitters: Uncertain significance (2). Last evaluated 2022-12-30.

Allele frequency attached by ClinVar (database versions not stated): TOPMed 0.00001.
gnomAD v4.1: 6 of 1,613,860 alleles (0.00037%); highest among the groups gnomAD compares: Admixed American, 0.01%; no homozygotes.

Submissions (2):

Mayo Clinic Laboratories, Mayo Clinic
Classification: Uncertain significance. Last evaluated: 2022-12-30. Review status: criteria provided, single submitter. Criteria: ACMG Guidelines, 2015. Collection method: clinical testing. Allele origin: germline. Observed: 2 variant alleles.
Comment: BP4

Labcorp Genetics (formerly Invitae), Labcorp
Classification: Uncertain significance. Last evaluated: 2022-01-13. Review status: criteria provided, single submitter. Criteria: Invitae Variant Classification Sherloc (09022015). Collection method: clinical testing. Allele origin: germline.
Comment: This sequence change replaces isoleucine, which is neutral and non-polar, with lysine, which is basic and polar, at codon 1367 of the C3 protein (p.Ile1367Lys). This variant is present in population databases (no rsID available, gnomAD 0.01%). In summary, the available evidence is currently insufficient to determine the role of this variant in disease. Therefore, it has been classified as a Variant of Uncertain Significance. Algorithms developed to predict the effect of missense changes on protein structure and function are either unavailable or do not agree on the potential impact of this missense change (SIFT: "Deleterious"; PolyPhen-2: "Benign"; Align-GVGD: "Class C35"). ClinVar contains an entry for this variant (Variation ID: 1021468). This variant has not been reported in the literature in individuals affected with C3-related conditions.

NM_000064.4(C3):c.4100T>A (p.Ile1367Lys)

Gene: C3 (complement C3; minus strand). Cytogenetic location: 19p13.3.
Variant type: single nucleotide variant.
Coding change: c.4100T>A on transcript NM_000064.4 (MANE Select); coding-DNA position 4100, T replaced by A.
Protein change: p.Ile1367Lys; replaces isoleucine 1367 with lysine.
Molecular consequence: missense variant.
Genome position (GRCh38, 1-based): chr19:6,684,580, A>T on the plus strand (T>A on the coding strand, the complement: C3 is on the minus strand). VCF-style: chr19-6684580-A-T. GRCh37 (hg19) VCF-style: chr19-6684591-A-T.
Other names: p.Ile1367Lys; short protein forms I1367K.
Identifiers: ClinVar variation 1021468 (VCV001021468.9), dbSNP rs11569541, ClinGen allele CA403617085.